The following is an entry in ClinVar:

NM_001370658.1(BTD):c.1167G>A (p.Trp389Ter)

Gene: BTD (biotinidase; plus strand). Cytogenetic location: 3p25.1.
Variant type: single nucleotide variant.
Coding change: c.1167G>A on transcript NM_001370658.1 (MANE Select); coding-DNA position 1167, G replaced by A.
Protein change: p.Trp389Ter; replaces tryptophan 389 with a stop codon.
Molecular consequence: nonsense. On other transcripts: intron variant (8).
Genome position (GRCh38, 1-based): chr3:15,645,083, G>A. VCF-style: chr3-15645083-G-A. GRCh37 (hg19) VCF-style: chr3-15686590-G-A.
Other names: c.1167G>A, p.Trp389Ter (NM_001407369.1, NM_001407370.1, NM_001407371.1 and 16 more transcripts); c.1015+152G>A (NM_001370752.1, NM_001407379.1); c.399+3026G>A (NM_001370753.1, NM_001407400.1, NM_001407380.1 and 3 more transcripts); short protein forms W389*.
Identifiers: ClinVar variation 3898058 (VCV003898058.1).

ClinVar aggregate classification (germline): Likely pathogenic (1 of 4 stars; one submission).

Conditions:
Biotinidase deficiency. Also called: BTD deficiency; Late-onset biotin-responsive multiple carboxylase deficiency; Biotin deficiency. Identifiers: Orphanet 79241, MedGen C0220754, MONDO:0009665, OMIM 253260.

gnomAD v4.1: 2 of 1,614,168 alleles (0.00012%); highest among the groups gnomAD compares: South Asian, 0.0022%; no homozygotes.

Submission:

Neuberg Centre For Genomic Medicine, NCGM
Classification: Likely pathogenic for Biotinidase deficiency. Last evaluated: 2024-02-01. Review status: criteria provided, single submitter. Criteria: ACMG Guidelines, 2015. Collection method: clinical testing. Allele origin: germline. Inheritance: Autosomal recessive inheritance.
Comment: The stop loss variant has not been reported previously as a pathogenic variant nor as a benign variant, to our knowledge. Loss of function variants have been previously reported to be disease causing (Wolf et al., 2005)